The following is an entry in ClinVar:

ClinVar aggregate classification (germline): Benign/Likely benign. Review status: criteria provided, multiple submitters, no conflicts (2 of 4 stars). 6 submissions from 6 submitters: Benign (1); Likely benign (4). 1 of the submissions does not count toward it. Last evaluated 2026-09-01.

Conditions:
LIPE-related disorder. Also called: LIPE-related condition.

Allele frequency attached by ClinVar (database versions not stated): 1000 Genomes Project 30x 0.00094; 1000 Genomes Project 0.00120; gnomAD exomes 0.00370 and 0.00690; ExAC 0.00382; gnomAD 0.00387 and 0.00402; TOPMed 0.00412; ESP Exome Variant Server 0.00561.
gnomAD v4.1: 10,666 of 1,614,090 alleles (0.66%); highest among the groups gnomAD compares: Non-Finnish European, 0.82%; 42 homozygotes.

Submissions (6):

CeGaT Center for Human Genetics Tuebingen
Classification: Likely benign. Last evaluated: 2026-09-01. Review status: criteria provided, single submitter. Criteria: CeGaT Center For Human Genetics Tuebingen Variant Classification Criteria Version 2. Collection method: clinical testing. Allele origin: germline. Affected: yes. Observed: 4 variant alleles.
Comment: LIPE: BP4, BP7, BS2

Blueprint Genetics
Classification: Likely benign. Last evaluated: 2024-11-27. Review status: criteria provided, single submitter. Criteria: ACMG Guidelines, 2015. Collection method: clinical testing. Allele origin: germline.

Labcorp Genetics (formerly Invitae), Labcorp
Classification: Benign. Last evaluated: 2019-12-31. Review status: criteria provided, single submitter. Criteria: Invitae Variant Classification Sherloc (09022015). Collection method: clinical testing. Allele origin: germline.

Genetic Services Laboratory, University of Chicago
Classification: Likely benign. Last evaluated: 2018-03-12. Review status: criteria provided, single submitter. Criteria: ACMG Guidelines, 2015. Collection method: clinical testing. Allele origin: germline. Affected: no.

Breakthrough Genomics
Classification: Likely benign. Review status: criteria provided, single submitter. Criteria: ACMG Guidelines, 2015. Collection method: not provided. Allele origin: germline. Inheritance: Autosomal recessive inheritance. Affected: yes.

PreventionGenetics, part of Exact Sciences
Classification: Likely benign for LIPE-related condition. Last evaluated: 2019-05-15. Review status: no assertion criteria provided. Collection method: clinical testing. Allele origin: germline. Not counted in ClinVar's aggregate classification.
Comment: This variant is classified as likely benign based on ACMG/AMP sequence variant interpretation guidelines (Richards et al. 2015 PMID: 25741868, with internal and published modifications).

NM_005357.4(LIPE):c.2223C>T (p.Tyr741=)

Genes: LIPE (lipase E, hormone sensitive type; minus strand), LIPE-AS1 (LIPE antisense RNA 1; plus strand), LOC101930071 (uncharacterized LOC101930071; plus strand). Cytogenetic location: 19q13.2.
Variant type: single nucleotide variant.
Coding change: c.2223C>T on transcript NM_005357.4 (MANE Select); coding-DNA position 2223, C replaced by T.
Protein change: p.Tyr741=; no amino-acid change (tyrosine 741 retained).
Molecular consequence: synonymous variant.
Genome position (GRCh38, 1-based): chr19:42,406,303, G>A on the plus strand (C>T on the coding strand, the complement: LIPE is on the minus strand). VCF-style: chr19-42406303-G-A. GRCh37 (hg19) VCF-style: chr19-42910455-G-A.
Identifiers: ClinVar variation 790436 (VCV000790436.27), dbSNP rs141921519, ClinGen allele CA9476799.